The following is an entry in ClinVar:

ClinVar aggregate classification (germline): Conflicting classifications of pathogenicity. Review status: criteria provided, conflicting classifications (1 of 4 stars). 6 submissions from 6 submitters: Uncertain significance (4); Likely benign (2). Last evaluated 2025-11-07.

Conditions:
Inborn genetic diseases. Identifiers: MedGen C0950123, MeSH D030342.
FRAS1-related disorder. Also called: FRAS1-related condition.

Allele frequency attached by ClinVar (database versions not stated): ExAC 0.00016; 1000 Genomes Project 30x 0.00047; ESP Exome Variant Server 0.00048; gnomAD 0.00049 and 0.00053; 1000 Genomes Project 0.00060; TOPMed 0.00067.

Submissions (6):

Ambry Genetics
Classification: Uncertain significance for Inborn genetic diseases. Last evaluated: 2025-11-07. Review status: criteria provided, single submitter. Criteria: Ambry Variant Classification Scheme 2023. Collection method: clinical testing. Allele origin: germline.

PreventionGenetics, part of Exact Sciences
Classification: Likely benign for FRAS1-related condition. Last evaluated: 2025-03-15. Review status: criteria provided, single submitter. Criteria: ACMG Guidelines, 2015. Collection method: clinical testing. Allele origin: germline.
Comment: This variant is classified as likely benign based on ACMG/AMP sequence variant interpretation guidelines (Richards et al. 2015 PMID: 25741868, with internal and published modifications).

Women's Health and Genetics/Laboratory Corporation of America, LabCorp
Classification: Uncertain significance. Last evaluated: 2024-09-16. Review status: criteria provided, single submitter. Criteria: LabCorp Variant Classification Summary - May 2015. Collection method: clinical testing. Allele origin: germline.
Comment: Variant summary: FRAS1 c.685G>A (p.Glu229Lys) results in a conservative amino acid change located in the VWFC domain (IPR001007) of the encoded protein sequence. Five of five in-silico tools predict a benign effect of the variant on protein function. Consensus agreement among computation tools predict no significant impact on normal splicing. However, these predictions have yet to be confirmed by functional studies. The variant allele was found at a frequency of 0.00013 in 246402 control chromosomes. This frequency is not significantly higher than estimated for a pathogenic variant in FRAS1 causing Cryptophthalmos Syndrome (0.00013 vs 0.0018), allowing no conclusion about variant significance. To our knowledge, no occurrence of c.685G>A in individuals affected with Cryptophthalmos Syndrome and no experimental evidence demonstrating its impact on protein function have been reported. ClinVar contains an entry for this variant (Variation ID: 1304934). Based on the evidence outlined above, the variant was classified as uncertain significance.

Blueprint Genetics
Classification: Likely benign. Last evaluated: 2024-09-04. Review status: criteria provided, single submitter. Criteria: ACMG Guidelines, 2015. Collection method: clinical testing. Allele origin: germline.

Labcorp Genetics (formerly Invitae), Labcorp
Classification: Uncertain significance. Last evaluated: 2022-01-27. Review status: criteria provided, single submitter. Criteria: Invitae Variant Classification Sherloc (09022015). Collection method: clinical testing. Allele origin: germline.
Comment: This sequence change replaces glutamic acid, which is acidic and polar, with lysine, which is basic and polar, at codon 229 of the FRAS1 protein (p.Glu229Lys). This variant is present in population databases (rs145807107, gnomAD 0.2%). This variant has not been reported in the literature in individuals affected with FRAS1-related conditions. ClinVar contains an entry for this variant (Variation ID: 1304934). Algorithms developed to predict the effect of missense changes on protein structure and function output the following: SIFT: "Deleterious"; PolyPhen-2: "Benign"; Align-GVGD: "Class C0". The lysine amino acid residue is found in multiple mammalian species, which suggests that this missense change does not adversely affect protein function. In summary, the available evidence is currently insufficient to determine the role of this variant in disease. Therefore, it has been classified as a Variant of Uncertain Significance.

GeneDx
Classification: Uncertain significance. Last evaluated: 2019-12-02. Review status: criteria provided, single submitter. Criteria: GeneDx Variant Classification Process June 2021. Collection method: clinical testing. Allele origin: germline. Affected: yes.
Comment: In silico analysis, which includes protein predictors and evolutionary conservation, supports that this variant does not alter protein structure/function; Has not been previously published as pathogenic or benign to our knowledge

NM_025074.7(FRAS1):c.685G>A (p.Glu229Lys)

Gene: FRAS1 (Fraser extracellular matrix complex subunit 1; plus strand). Cytogenetic location: 4q21.21.
Variant type: single nucleotide variant.
Coding change: c.685G>A on transcript NM_025074.7 (MANE Select); coding-DNA position 685, G replaced by A.
Protein change: p.Glu229Lys; replaces glutamic acid 229 with lysine.
Molecular consequence: missense variant.
Genome position (GRCh38, 1-based): chr4:78,265,106, G>A. VCF-style: chr4-78265106-G-A. GRCh37 (hg19) VCF-style: chr4-79186260-G-A.
Other names: c.685G>A, p.Glu229Lys (NM_001166133.2); short protein forms E229K.
Identifiers: ClinVar variation 1304934 (VCV001304934.11), dbSNP rs145807107, ClinGen allele CA2976039.